The following is an entry in ClinVar:

NM_001363538.2(TCAF2):c.2190C>T (p.Pro730=)

Gene: TCAF2 (TRPM8 channel associated factor 2; plus strand). Cytogenetic location: 7q35.
Variant type: single nucleotide variant.
Coding change: c.2190C>T on transcript NM_001363538.2 (MANE Select); coding-DNA position 2190, C replaced by T.
Protein change: p.Pro730=; no amino-acid change (proline 730 retained).
Molecular consequence: synonymous variant.
Genome position (GRCh38, 1-based): chr7:143,724,382, C>T. VCF-style: chr7-143724382-C-T. GRCh37 (hg19) VCF-style: chr7-143421475-C-T.
Other names: c.1878C>T, p.Pro626= (NM_001130026.3); c.1347C>T, p.Pro449= (NM_001365428.1); c.2190C>T, p.Pro730= (NM_001365429.2, NM_001365430.1, NM_173678.3).
Identifiers: ClinVar variation 403526 (VCV000403526.5), dbSNP rs142539094, ClinGen allele CA16609729.
Genomic context (GRCh38, chr7:143,724,382, plus strand): 5'-CCCTCCTCAATGCTCATCTCTTCCTTCTGTGTTCCCAGGCTGGATGCATTCAGGATACCC[C>T]ATCATGTGCCACCTGGAGTCTGTGAAGGAGATCATCAATGAGATGGACATGAGGAGCAGG-3'
Protein context (NP_001350467.1, residues 720-740): ISAGWMHSGY[Pro730=]IMCHLESVKE

ClinVar aggregate classification (germline): Likely benign. Review status: criteria provided, multiple submitters, no conflicts (2 of 4 stars). 2 submissions from 2 submitters: Likely benign (2). Last evaluated 2016-03-28.

Allele frequency attached by ClinVar (database versions not stated): gnomAD exomes 0.00257 and 0.00839; gnomAD 0.01766 and 0.01872; TOPMed 0.02155; 1000 Genomes Project 30x 0.02701.
gnomAD v4.1: 6,537 of 1,596,948 alleles (0.41%); highest among the groups gnomAD compares: African/African-American, 6%; 185 homozygotes.

Submissions (2):

Laboratory for Molecular Medicine, Mass General Brigham Personalized Medicine
Classification: Likely benign. Last evaluated: 2016-03-28. Review status: criteria provided, single submitter. Criteria: LMM Criteria. Collection method: clinical testing. Allele origin: germline.
Comment: Variant identified in a genome or exome case(s) and assessed due to predicted null impact of the variant or pathogenic assertions in the literature or databases. Disclaimer: This variant has not undergone full assessment. The following are preliminary notes: Silent variant not near splice site

Breakthrough Genomics
Classification: Likely benign. Review status: criteria provided, single submitter. Criteria: ACMG Guidelines, 2015. Collection method: not provided. Allele origin: germline. Inheritance: Unknown mechanism. Affected: yes.